The following is an entry in ClinVar:

ClinVar aggregate classification (germline): Likely benign (0 of 4 stars; one submission).

Conditions:
KREMEN1-related disorder. Also called: KREMEN1-related condition.

Allele frequency attached by ClinVar (database versions not stated): ExAC 0.00004; gnomAD 0.00011; TOPMed 0.00011; 1000 Genomes Project 30x 0.00016; ESP Exome Variant Server 0.00016.
gnomAD v4.1: 35 of 1,597,776 alleles (0.0022%); highest among the groups gnomAD compares: African/African-American, 0.043%; no homozygotes.

Submission:

PreventionGenetics, part of Exact Sciences
Classification: Likely benign for KREMEN1-related condition. Last evaluated: 2019-05-07. Review status: no assertion criteria provided. Collection method: clinical testing. Allele origin: germline.
Comment: This variant is classified as likely benign based on ACMG/AMP sequence variant interpretation guidelines (Richards et al. 2015 PMID: 25741868, with internal and published modifications).

NM_001039570.3(KREMEN1):c.936G>A (p.Gln312=)

Gene: KREMEN1 (kringle containing transmembrane protein 1; plus strand). Cytogenetic location: 22q12.1.
Variant type: single nucleotide variant.
Coding change: c.936G>A on transcript NM_001039570.3 (MANE Select); coding-DNA position 936, G replaced by A.
Protein change: p.Gln312=; no amino-acid change (glutamine 312 retained).
Molecular consequence: synonymous variant.
Genome position (GRCh38, 1-based): chr22:29,137,646, G>A. VCF-style: chr22-29137646-G-A. GRCh37 (hg19) VCF-style: chr22-29533634-G-A.
Other names: c.936G>A, p.Gln312= (NM_001039571.1, NM_032045.5).
Identifiers: ClinVar variation 3038085 (VCV003038085.2), dbSNP rs375620412, ClinGen allele CA10170126.
Genomic context (GRCh38, chr22:29,137,646, plus strand): 5'-GTCCTTCAACGTCTCTCTGGACTTCGTCATCTTGTATTTCTTCTCTGATCGCATCAATCA[G>A]GCCCAGGGATTTGCTGTTTTATACCAAGGTAAGACATCTTTGCCTCCTTGGGGGTTCTTC-3'
Protein context (NP_001034659.2, residues 302-322): ILYFFSDRIN[Gln312=]AQGFAVLYQA